The following is an entry in ClinVar:

NM_005909.5(MAP1B):c.3841_3842del (p.Leu1281fs)

Gene: MAP1B (microtubule associated protein 1B; plus strand). Cytogenetic location: 5q13.2.
Variant type: Microsatellite.
Coding change: c.3841_3842del on transcript NM_005909.5 (MANE Select); coding-DNA positions 3841 to 3842, 2 bases deleted (CT; older notation c.3841_3842delCT).
Protein change: p.Leu1281fs; shifts the reading frame from leucine 1281.
Molecular consequence: frameshift variant.
Genome position (GRCh38, 1-based): chr5:72,197,196-72,197,197, CT deleted; deleting any 2 consecutive bases within chr5:72,197,191-72,197,197 gives the same sequence; the c. name uses the placement nearest the transcript's 3' end. VCF-style (leftmost placement, unchanged base first): chr5-72197190-TTC-T. GRCh37 (hg19) VCF-style: chr5-71493017-TTC-T.
Other names: c.3463_3464del, p.Leu1155fs (NM_001324255.2); short protein forms L1155fs, L1281fs.
Identifiers: ClinVar variation 5038172 (VCV005038172.1).

ClinVar aggregate classification (germline): Likely pathogenic (1 of 4 stars; one submission).

Conditions:
Periventricular nodular heterotopia 9. Identifiers: MedGen C5394503, MONDO:0030061, OMIM 618918.

Submission:

MVZ Medizinische Genetik Mainz
Classification: Likely pathogenic for Periventricular nodular heterotopia 9. Last evaluated: 2025-12-02. Review status: criteria provided, single submitter. Criteria: UK Practice Guidelines For Variant Classification V4 01 2020. Collection method: clinical testing. Allele origin: germline. Inheritance: Autosomal dominant inheritance. Affected: yes. Observed: 1 variant allele.
Comment: ACMG Criteria: PVS1,PM2_SUP